The following is an entry in ClinVar:

ClinVar aggregate classification (germline): Uncertain significance. Review status: criteria provided, multiple submitters, no conflicts (2 of 4 stars). 5 submissions from 5 submitters: Uncertain significance (5). Last evaluated 2025-05-28.

Conditions:
Hereditary cancer-predisposing syndrome. Also called: Hereditary neoplastic syndrome; Neoplastic Syndromes, Hereditary; Hereditary Cancer Syndrome; Tumor predisposition. Identifiers: Orphanet 140162, MedGen C0027672, MeSH D009386, MONDO:0015356.
Gastrointestinal stromal tumor. Also called: Gastrointestinal stromal tumor, somatic; Gastrointestinal stroma tumor. Identifiers: Orphanet 44890, MedGen C0238198, MeSH D046152, MONDO:0011719, OMIM 606764, HP:0100723.
Pheochromocytoma/paraganglioma syndrome 3. Also called: GLOMUS TUMORS, FAMILIAL, 3; SDHC-Related Hereditary Paraganglioma-Pheochromocytoma Syndrome; Paragangliomas 3; SDHC-Related Hereditary Paraganglioma-Pheochromocytoma Syndrome (Paragangliomas 3). Identifiers: Orphanet 29072, MedGen C1854336, MONDO:0011544, OMIM 605373.
Hereditary pheochromocytoma and paraganglioma. Also called: Hereditary pheochromocytoma-paraganglioma; Hereditary Paraganglioma-Pheochromocytoma Syndromes; Hereditary paragangliomas and pheochromocytomas. Identifiers: Orphanet 29072, MedGen C4274332, MONDO:0017366.

Allele frequency attached by ClinVar (database versions not stated): TOPMed below 0.00001.

Submissions (5):

Labcorp Genetics (formerly Invitae), Labcorp
Classification: Uncertain significance for Pheochromocytoma/paraganglioma syndrome 3; Gastrointestinal stromal tumor. Last evaluated: 2025-05-28. Review status: criteria provided, single submitter. Criteria: Invitae Variant Classification Sherloc (09022015). Collection method: clinical testing. Allele origin: germline.
Comment: This sequence change replaces leucine, which is neutral and non-polar, with phenylalanine, which is neutral and non-polar, at codon 92 of the SDHC protein (p.Leu92Phe). This variant is not present in population databases (gnomAD no frequency). This variant has not been reported in the literature in individuals affected with SDHC-related conditions. ClinVar contains an entry for this variant (Variation ID: 943485). An algorithm developed to predict the effect of missense changes on protein structure and function (PolyPhen-2) suggests that this variant is likely to be tolerated. In summary, the available evidence is currently insufficient to determine the role of this variant in disease. Therefore, it has been classified as a Variant of Uncertain Significance.

GeneDx
Classification: Uncertain significance. Last evaluated: 2025-05-22. Review status: criteria provided, single submitter. Criteria: GeneDx Variant Classification Process June 2021. Collection method: clinical testing. Allele origin: germline. Affected: yes.
Comment: Not observed at significant frequency in large population cohorts (gnomAD); In silico analysis supports that this missense variant has a deleterious effect on protein structure/function; Has not been previously published as pathogenic or benign to our knowledge

Color Diagnostics, LLC DBA Color Health
Classification: Uncertain significance for Hereditary pheochromocytoma and paraganglioma. Last evaluated: 2024-02-12. Review status: criteria provided, single submitter. Criteria: ACMG Guidelines, 2015. Collection method: clinical testing. Allele origin: germline.
Comment: This missense variant replaces leucine with phenylalanine at codon 92 of the SDHC protein. Computational prediction suggests that this variant may not impact protein structure and function. To our knowledge, functional studies have not been reported for this variant. This variant has not been reported in individuals affected with SDHC-related disorders in the literature. This variant has not been identified in the general population by the Genome Aggregation Database (gnomAD). The available evidence is insufficient to determine the role of this variant in disease conclusively. Therefore, this variant is classified as a Variant of Uncertain Significance.

All of Us Research Program, National Institutes of Health
Classification: Uncertain significance for Hereditary pheochromocytoma and paraganglioma. Last evaluated: 2023-11-17. Review status: criteria provided, single submitter. Criteria: ACMG Guidelines, 2015. Collection method: clinical testing. Allele origin: germline. Inheritance: Autosomal dominant inheritance. Observed: 1 variant allele, 1 heterozygote.
Comment: This study involves interpretation of variants in research participants for the purpose of population health screening. Participant phenotype was not available at the time of variant classification. Additional details can be found in publication PMID: 35346344, PMCID: PMC8962531

Ambry Genetics
Classification: Uncertain significance for Hereditary cancer-predisposing syndrome. Last evaluated: 2023-11-09. Review status: criteria provided, single submitter. Criteria: Ambry Variant Classification Scheme 2023. Collection method: clinical testing. Allele origin: germline.
Comment: The p.L92F variant (also known as c.274C>T), located in coding exon 5 of the SDHC gene, results from a C to T substitution at nucleotide position 274. The leucine at codon 92 is replaced by phenylalanine, an amino acid with highly similar properties. This amino acid position is conserved. In addition, the in silico prediction for this alteration is inconclusive. Since supporting evidence is limited at this time, the clinical significance of this alteration remains unclear.

NM_003001.5(SDHC):c.274C>T (p.Leu92Phe)

Gene: SDHC (succinate dehydrogenase complex subunit C; plus strand). Cytogenetic location: 1q23.3.
Variant type: single nucleotide variant.
Coding change: c.274C>T on transcript NM_003001.5 (MANE Select); coding-DNA position 274, C replaced by T.
Protein change: p.Leu92Phe; replaces leucine 92 with phenylalanine.
Molecular consequence: missense variant. On other transcripts: non-coding transcript variant (1), intron variant (3).
Genome position (GRCh38, 1-based): chr1:161,356,709, C>T. VCF-style: chr1-161356709-C-T. GRCh37 (hg19) VCF-style: chr1-161326499-C-T.
Other names: c.172C>T, p.Leu58Phe (NM_001035512.3); c.115C>T, p.Leu39Phe (NM_001035513.3); c.394C>T, p.Leu132Phe (NM_001407115.1); c.217C>T, p.Leu73Phe (NM_001407116.1); c.211C>T, p.Leu71Phe (NM_001407117.1); c.166C>T, p.Leu56Phe (NM_001407118.1); c.163C>T, p.Leu55Phe (NM_001407119.1, NM_001407120.1); c.242-5620C>T (NM_001035511.3); and 2 more; short protein forms L39F, L58F, L92F, L55F, L71F, L73F, L132F, L56F.
Identifiers: ClinVar variation 943485 (VCV000943485.12), dbSNP rs1672286186, ClinGen allele CA343456311.
Genomic context (GRCh38, chr1:161,356,709, plus strand): 5'-GTGACAAGCTACTTGGTTTTCTCCTCAGGGGTCTCTCTTTTTGGCATGTCGGCCCTGTTA[C>T]TCCCTGGGAACTTTGAGTCTTATTTGGAACTTGTGAAGTCCCTGTGTCTGGGGCCAGCAC-3'
Protein context (NP_002992.1, residues 82-102): VSLFGMSALL[Leu92Phe]PGNFESYLEL